The following is an entry in ClinVar:

NM_001366028.2(DNAH12):c.1650+6G>A

Gene: DNAH12 (dynein axonemal heavy chain 12; minus strand). Cytogenetic location: 3p14.3.
Variant type: single nucleotide variant.
Coding change: c.1650+6G>A on transcript NM_001366028.2 (MANE Select); 6 bases into the intron after coding-DNA position 1650, G replaced by A.
Molecular consequence: intron variant.
Genome position (GRCh38, 1-based): chr3:57,483,370, C>T on the plus strand (G>A on the coding strand, the complement: DNAH12 is on the minus strand). VCF-style: chr3-57483370-C-T. GRCh37 (hg19) VCF-style: chr3-57469097-C-T.
Identifiers: ClinVar variation 402641 (VCV000402641.5), dbSNP rs9863860, ClinGen allele CA2465230.

ClinVar aggregate classification (germline): Benign. Review status: criteria provided, multiple submitters, no conflicts (2 of 4 stars). 2 submissions from 2 submitters: Benign (2). Last evaluated 2016-03-29.

Allele frequency attached by ClinVar (database versions not stated): 1000 Genomes Project 30x 0.63054; 1000 Genomes Project 0.63159; TOPMed 0.65569; ESP Exome Variant Server 0.65900; gnomAD 0.66726 and 0.66764; gnomAD exomes 0.66951 and 0.67487; ExAC 0.71296.
gnomAD v4.1: 1,037,661 of 1,538,730 alleles (67%); highest among the groups gnomAD compares: South Asian, 76%; 351,652 homozygotes.

Submissions (2):

Laboratory for Molecular Medicine, Mass General Brigham Personalized Medicine
Classification: Benign. Last evaluated: 2016-03-29. Review status: criteria provided, single submitter. Criteria: LMM Criteria. Collection method: clinical testing. Allele origin: germline.
Comment: Variant identified in a genome or exome case(s) and assessed due to predicted null impact of the variant or pathogenic assertions in the literature or databases. Disclaimer: This variant has not undergone full assessment. The following are preliminary notes: Frequency

Breakthrough Genomics
Classification: Benign. Review status: criteria provided, single submitter. Criteria: ACMG Guidelines, 2015. Collection method: not provided. Allele origin: germline. Inheritance: Unknown mechanism. Affected: yes.